The following is an entry in ClinVar:

NM_000352.6(ABCC8):c.2475+2T>A

Genes: ABCC8 (ATP binding cassette subfamily C member 8; minus strand), LOC110121471 (VISTA enhancer hs1977; plus strand). Cytogenetic location: 11p15.1.
Variant type: single nucleotide variant.
Coding change: c.2475+2T>A on transcript NM_000352.6 (MANE Select); the canonical splice donor site of the intron after coding-DNA position 2475, T replaced by A.
Molecular consequence: splice donor variant.
Genome position (GRCh38, 1-based): chr11:17,413,392, A>T on the plus strand (T>A on the coding strand, the complement: ABCC8 is on the minus strand). VCF-style: chr11-17413392-A-T. GRCh37 (hg19) VCF-style: chr11-17434939-A-T.
Other names: c.2475+2T>A (NM_000352.4, NM_001351296.2); c.2472+2T>A (NM_001351297.2); c.2541+2T>A (NM_001351295.2); c.2478+2T>A (NM_001287174.3).
Identifiers: ClinVar variation 1935640 (VCV001935640.7), dbSNP rs745835224, ClinGen allele CA5903130.

ClinVar aggregate classification (germline): Likely pathogenic. Review status: criteria provided, multiple submitters, no conflicts (2 of 4 stars). 2 submissions from 2 submitters: Likely pathogenic (2). Last evaluated 2025-04-15.

Conditions:
Hereditary hyperinsulinism.

Allele frequency attached by ClinVar (database versions not stated): gnomAD exomes below 0.00001; TOPMed below 0.00001; ExAC 0.00001; gnomAD 0.00001.
gnomAD v4.1: 2 of 1,613,858 alleles (0.00012%); highest among the groups gnomAD compares: Non-Finnish European, 0.00017%; no homozygotes.

Submissions (2):

Natera, Inc.
Classification: Likely pathogenic for Hereditary hyperinsulinism. Last evaluated: 2025-04-15. Review status: criteria provided, single submitter. Criteria: Natera Variant Classification Schema (03/2026). Collection method: clinical testing. Allele origin: germline.
Comment: The c.2475+2T>A variant in ABCC8 is a canonical splice donor site variant predicted to affect pre-mRNA splicing, which may result in an abnormal transcript and altered protein product. This variant is expected to result in nonsense mediated decay, truncation, or a dysfunctional protein product. This variant is rare in the general population with a frequency below the threshold expected for the associated phenotype(s). Given the available evidence, this variant is classified as Likely Pathogenic.

Labcorp Genetics (formerly Invitae), Labcorp
Classification: Likely pathogenic. Last evaluated: 2022-10-21. Review status: criteria provided, single submitter. Criteria: Invitae Variant Classification Sherloc (09022015). Collection method: clinical testing. Allele origin: germline.
Comment: In summary, the currently available evidence indicates that the variant is pathogenic, but additional data are needed to prove that conclusively. Therefore, this variant has been classified as Likely Pathogenic. Algorithms developed to predict the effect of sequence changes on RNA splicing suggest that this variant may disrupt the consensus splice site. Disruption of this splice site has been observed in individual(s) with features of autosomal recessive diffuse or focal hyperinsulinism (PMID: 28757749, 33240318). This variant is present in population databases (rs745835224, gnomAD 0.0009%). This sequence change affects a donor splice site in intron 20 of the ABCC8 gene. It is expected to disrupt RNA splicing. Variants that disrupt the donor or acceptor splice site typically lead to a loss of protein function (PMID: 16199547), and loss-of-function variants in ABCC8 are known to be pathogenic (PMID: 20685672, 23345197).

Literature cited by the submitters: PubMed 28757749 (cited by Labcorp Genetics (formerly Invitae), Labcorp); PubMed 33240318 (cited by Labcorp Genetics (formerly Invitae), Labcorp); PubMed 16199547 (cited by Labcorp Genetics (formerly Invitae), Labcorp); PubMed 20685672 (cited by Labcorp Genetics (formerly Invitae), Labcorp); PubMed 23345197 (cited by Labcorp Genetics (formerly Invitae), Labcorp).